The following is an entry in ClinVar:

ClinVar aggregate classification (germline): Uncertain significance (1 of 4 stars; one submission).

Allele frequency attached by ClinVar (database versions not stated): ExAC 0.00002; gnomAD exomes 0.00005 and 0.00009; TOPMed 0.00006; ESP Exome Variant Server 0.00008; gnomAD 0.00009.
gnomAD v4.1: 146 of 1,605,706 alleles (0.0091%); highest among the groups gnomAD compares: African/African-American, 0.022%; no homozygotes.

Submission:

Labcorp Genetics (formerly Invitae), Labcorp
Classification: Uncertain significance. Last evaluated: 2022-08-31. Review status: criteria provided, single submitter. Criteria: Invitae Variant Classification Sherloc (09022015). Collection method: clinical testing. Allele origin: germline.
Comment: This sequence change replaces arginine, which is basic and polar, with tryptophan, which is neutral and slightly polar, at codon 1501 of the RTTN protein (p.Arg1501Trp). This variant is present in population databases (rs374256500, gnomAD 0.02%). This variant has not been reported in the literature in individuals affected with RTTN-related conditions. ClinVar contains an entry for this variant (Variation ID: 1381017). Algorithms developed to predict the effect of missense changes on protein structure and function are either unavailable or do not agree on the potential impact of this missense change (SIFT: "Tolerated"; PolyPhen-2: "Possibly Damaging"; Align-GVGD: "Class C0"). In summary, the available evidence is currently insufficient to determine the role of this variant in disease. Therefore, it has been classified as a Variant of Uncertain Significance.

NM_173630.4(RTTN):c.4501C>T (p.Arg1501Trp)

Gene: RTTN (rotatin; minus strand). Cytogenetic location: 18q22.2.
Variant type: single nucleotide variant.
Coding change: c.4501C>T on transcript NM_173630.4 (MANE Select); coding-DNA position 4501, C replaced by T.
Protein change: p.Arg1501Trp; replaces arginine 1501 with tryptophan.
Molecular consequence: missense variant.
Genome position (GRCh38, 1-based): chr18:70,075,415, G>A on the plus strand (C>T on the coding strand, the complement: RTTN is on the minus strand). VCF-style: chr18-70075415-G-A. GRCh37 (hg19) VCF-style: chr18-67742651-G-A.
Other names: c.1765C>T, p.Arg589Trp (NM_001318520.2); short protein forms R1501W, R589W.
Identifiers: ClinVar variation 1381017 (VCV001381017.5), dbSNP rs374256500, ClinGen allele CA8995239.